The following is an entry in ClinVar:

ClinVar aggregate classification (germline): Uncertain significance (1 of 4 stars; one submission).

Conditions:
Cardiovascular phenotype. Identifiers: MedGen CN230736.

Submission:

Molecular Diagnostic Laboratory for Inherited Cardiovascular Disease, Montreal Heart Institute
Classification: Uncertain significance for Cardiovascular phenotype. Last evaluated: 2026-09-21. Review status: criteria provided, single submitter. Criteria: ACMG Guidelines, 2015. Collection method: clinical testing. Allele origin: germline. Affected: yes.
Comment: PM2, PP2

NM_001035.3(RYR2):c.8917C>G (p.Gln2973Glu)

Gene: RYR2 (ryanodine receptor 2; plus strand). Cytogenetic location: 1q43.
Variant type: single nucleotide variant.
Coding change: c.8917C>G on transcript NM_001035.3 (MANE Select); coding-DNA position 8917, C replaced by G.
Protein change: p.Gln2973Glu; replaces glutamine 2973 with glutamic acid.
Molecular consequence: missense variant.
Genome position (GRCh38, 1-based): chr1:237,680,477, C>G. VCF-style: chr1-237680477-C-G. GRCh37 (hg19) VCF-style: chr1-237843777-C-G.
Other names: short protein forms Q2973E.
Identifiers: ClinVar variation 5037814 (VCV005037814.1).